The following is an entry in ClinVar:

ClinVar aggregate classification (germline): Uncertain significance (1 of 4 stars; one submission).

Conditions:
Aicardi-Goutieres syndrome 7 (AGS7). Identifiers: Orphanet 51, MedGen C3888244, MONDO:0014367, OMIM 615846.
Singleton-Merten syndrome 1 (SGMRT1). Also called: Syndrome of widened medullary cavities of the metacarpals and phalanges, aortic calcification and abnormal dentition; Widened medullary cavities of bone, aortic calcification, abnormal dentition, and muscular weakness. Identifiers: Orphanet 85191, MedGen C4225427, MONDO:0024535, OMIM 182250.

Allele frequency attached by ClinVar (database versions not stated): gnomAD exomes below 0.00001.
gnomAD v4.1: 5 of 1,609,374 alleles (0.00031%); highest among the groups gnomAD compares: South Asian, 0.0033%; no homozygotes.

Submission:

Labcorp Genetics (formerly Invitae), Labcorp
Classification: Uncertain significance for Aicardi-Goutieres syndrome 7; Singleton-Merten syndrome 1. Last evaluated: 2023-12-11. Review status: criteria provided, single submitter. Criteria: Invitae Variant Classification Sherloc (09022015). Collection method: clinical testing. Allele origin: germline.
Comment: This sequence change replaces alanine, which is neutral and non-polar, with serine, which is neutral and polar, at codon 430 of the IFIH1 protein (p.Ala430Ser). This variant is not present in population databases (gnomAD no frequency). This variant has not been reported in the literature in individuals affected with IFIH1-related conditions. ClinVar contains an entry for this variant (Variation ID: 1463272). Advanced modeling of protein sequence and biophysical properties (such as structural, functional, and spatial information, amino acid conservation, physicochemical variation, residue mobility, and thermodynamic stability) has been performed at Invitae for this missense variant, however the output from this modeling did not meet the statistical confidence thresholds required to predict the impact of this variant on IFIH1 protein function. In summary, the available evidence is currently insufficient to determine the role of this variant in disease. Therefore, it has been classified as a Variant of Uncertain Significance.

NM_022168.4(IFIH1):c.1288G>T (p.Ala430Ser)

Gene: IFIH1 (interferon induced with helicase C domain 1; minus strand). Cytogenetic location: 2q24.2.
Variant type: single nucleotide variant.
Coding change: c.1288G>T on transcript NM_022168.4 (MANE Select); coding-DNA position 1288, G replaced by T.
Protein change: p.Ala430Ser; replaces alanine 430 with serine.
Molecular consequence: missense variant.
Genome position (GRCh38, 1-based): chr2:162,282,384, C>A on the plus strand (G>T on the coding strand, the complement: IFIH1 is on the minus strand). VCF-style: chr2-162282384-C-A. GRCh37 (hg19) VCF-style: chr2-163138894-C-A.
Other names: short protein forms A430S.
Identifiers: ClinVar variation 1463272 (VCV001463272.6), dbSNP rs2105203031, ClinGen allele CA349002675.